The following is an entry in ClinVar:

ClinVar aggregate classification (germline): Uncertain significance (1 of 4 stars; one submission).

Submission:

CeGaT Center for Human Genetics Tuebingen
Classification: Uncertain significance. Last evaluated: 2026-04-01. Review status: criteria provided, single submitter. Criteria: CeGaT Center For Human Genetics Tuebingen Variant Classification Criteria Version 2. Collection method: clinical testing. Allele origin: germline. Affected: yes. Observed: 1 variant allele.
Comment: FLNA: PM2, PP3

NM_001110556.2(FLNA):c.6760G>A (p.Gly2254Arg)

Gene: FLNA (filamin A; minus strand). Cytogenetic location: Xq28.
Variant type: single nucleotide variant.
Coding change: c.6760G>A on transcript NM_001110556.2 (MANE Select); coding-DNA position 6760, G replaced by A.
Protein change: p.Gly2254Arg; replaces glycine 2254 with arginine.
Molecular consequence: missense variant.
Genome position (GRCh38, 1-based): chrX:154,352,190, C>T on the plus strand (G>A on the coding strand, the complement: FLNA is on the minus strand). VCF-style: chrX-154352190-C-T. GRCh37 (hg19) VCF-style: chrX-153580558-C-T.
Other names: c.6736G>A, p.Gly2246Arg (NM_001456.4); short protein forms G2246R, G2254R.
Identifiers: ClinVar variation 4871946 (VCV004871946.2).